The following is an entry in ClinVar:

ClinVar aggregate classification (germline): Likely pathogenic (1 of 4 stars; one submission).

Conditions:
Hearing loss, autosomal recessive 57. Also called: DEAFNESS, AUTOSOMAL RECESSIVE 57. Identifiers: MedGen C4693893, MONDO:0033201, OMIM 618003.
Usher syndrome type 2C. Also called: Usher syndrome, type 2B; USHER SYNDROME, TYPE IIC. Identifiers: Orphanet 231178, Orphanet 886, MedGen C2931213, MONDO:0011558, OMIM 605472.
Usher syndrome type 2A. Also called: RETINAL DISEASE IN USHER SYNDROME TYPE IIA, MODIFIER OF; USHER SYNDROME, TYPE IIA. Identifiers: Orphanet 231178, Orphanet 886, MedGen C1848634, MONDO:0010169, OMIM 276901.

gnomAD v4.1: 1 of 1,577,102 alleles (0.000063%); highest among the groups gnomAD compares: African/African-American, 0.0013%; no homozygotes.

Submission:

Juno Genomics, Hangzhou Juno Genomics, Inc
Classification: Likely pathogenic for Usher syndrome type 2A; Hearing loss, autosomal recessive 57; Usher syndrome type 2C. Review status: criteria provided, single submitter. Criteria: ACMG Guidelines, 2015. Collection method: clinical testing. Allele origin: germline.
Comment: Null variant in a gene where loss of function (LOF) is a known mechanism of disease.;Absent from controls (or at extremely low frequency if recessive) in Genome Aggregation Database.

NM_001195263.2(PDZD7):c.1089G>A (p.Trp363Ter)

Gene: PDZD7 (PDZ domain containing 7; minus strand). Cytogenetic location: 10q24.31.
Variant type: single nucleotide variant.
Coding change: c.1089G>A on transcript NM_001195263.2 (MANE Select); coding-DNA position 1089, G replaced by A.
Protein change: p.Trp363Ter; replaces tryptophan 363 with a stop codon.
Molecular consequence: nonsense.
Genome position (GRCh38, 1-based): chr10:101,019,057, C>T on the plus strand (G>A on the coding strand, the complement: PDZD7 is on the minus strand). VCF-style: chr10-101019057-C-T. GRCh37 (hg19) VCF-style: chr10-102778814-C-T.
Other names: c.1089G>A, p.Trp363Ter (NM_001351044.2, NM_001437429.1, NM_024895.5); short protein forms W363*.
Identifiers: ClinVar variation 5007451 (VCV005007451.2).